The following is an entry in ClinVar:

ClinVar aggregate classification (germline): Uncertain significance. Review status: criteria provided, multiple submitters, no conflicts (2 of 4 stars). 2 submissions from 2 submitters: Uncertain significance (2). Last evaluated 2025-03-05.

Allele frequency attached by ClinVar (database versions not stated): ExAC 0.00001; gnomAD 0.00001; gnomAD exomes 0.00001; TOPMed 0.00001.
gnomAD v4.1: 13 of 1,614,094 alleles (0.00081%); highest among the groups gnomAD compares: Middle Eastern, 0.016%; no homozygotes.

Submissions (2):

Labcorp Genetics (formerly Invitae), Labcorp
Classification: Uncertain significance. Last evaluated: 2025-03-05. Review status: criteria provided, single submitter. Criteria: Invitae Variant Classification Sherloc (09022015). Collection method: clinical testing. Allele origin: germline.
Comment: This sequence change replaces lysine, which is basic and polar, with asparagine, which is neutral and polar, at codon 1231 of the NPAT protein (p.Lys1231Asn). This variant is present in population databases (rs770980606, gnomAD 0.0009%). This variant has not been reported in the literature in individuals affected with NPAT-related conditions. ClinVar contains an entry for this variant (Variation ID: 2496678). An algorithm developed to predict the effect of missense changes on protein structure and function (PolyPhen-2) suggests that this variant is likely to be disruptive. In summary, the available evidence is currently insufficient to determine the role of this variant in disease. Therefore, it has been classified as a Variant of Uncertain Significance.

Ambry Genetics
Classification: Uncertain significance. Last evaluated: 2023-01-22. Review status: criteria provided, single submitter. Criteria: Ambry Variant Classification Scheme 2023. Collection method: clinical testing. Allele origin: germline.
Comment: The p.K1231N variant (also known as c.3693A>T), located in coding exon 17 of the NPAT gene, results from an A to T substitution at nucleotide position 3693. The lysine at codon 1231 is replaced by asparagine, an amino acid with similar properties. This amino acid position is conserved. In addition, this alteration is predicted to be tolerated by in silico analysis. Since supporting evidence is limited at this time, the clinical significance of this alteration remains unclear.

NM_002519.3(NPAT):c.3693A>T (p.Lys1231Asn)

Gene: NPAT (nuclear protein, coactivator of histone transcription; minus strand). Cytogenetic location: 11q22.3.
Variant type: single nucleotide variant.
Coding change: c.3693A>T on transcript NM_002519.3 (MANE Select); coding-DNA position 3693, A replaced by T.
Protein change: p.Lys1231Asn; replaces lysine 1231 with asparagine.
Molecular consequence: missense variant.
Genome position (GRCh38, 1-based): chr11:108,161,393, T>A on the plus strand (A>T on the coding strand, the complement: NPAT is on the minus strand). VCF-style: chr11-108161393-T-A. GRCh37 (hg19) VCF-style: chr11-108032120-T-A.
Other names: c.3714A>T, p.Lys1238Asn (NM_001321307.1); short protein forms K1238N, K1231N.
Identifiers: ClinVar variation 2496678 (VCV002496678.3), dbSNP rs770980606, ClinGen allele CA6263535.
Genomic context (GRCh38, chr11:108,161,393, plus strand): 5'-CTGTATATCCTGTAACATTTCTGTGGTAATCAAAGAACTGGCGGATTTAGTTTGTTCTTG[T>A]TTTAGATCCTTCACAGCTGTACCTACTGAAAGTACATTTTTATTGTTTGAAGATGTGCCT-3'
Protein context (NP_002510.2, residues 1221-1241): LSVGTAVKDL[Lys1231Asn]QEQTKSASSL